The following is an entry in ClinVar:

NM_030780.5(SLC25A32):c.853A>G (p.Asn285Asp)

Gene: SLC25A32 (solute carrier family 25 member 32; minus strand). Cytogenetic location: 8q22.3.
Variant type: single nucleotide variant.
Coding change: c.853A>G on transcript NM_030780.5 (MANE Select); coding-DNA position 853, A replaced by G.
Protein change: p.Asn285Asp; replaces asparagine 285 with aspartic acid.
Molecular consequence: missense variant. On other transcripts: non-coding transcript variant (2).
Genome position (GRCh38, 1-based): chr8:103,400,506, T>C on the plus strand (A>G on the coding strand, the complement: SLC25A32 is on the minus strand). VCF-style: chr8-103400506-T-C. GRCh37 (hg19) VCF-style: chr8-104412734-T-C.
Other names: short protein forms N285D.
Identifiers: ClinVar variation 4761583 (VCV004761583.1).

ClinVar aggregate classification (germline): Uncertain significance (1 of 4 stars; one submission).

gnomAD v4.1: 2 of 1,614,104 alleles (0.00012%); no homozygotes.

Submission:

Labcorp Genetics (formerly Invitae), Labcorp
Classification: Uncertain significance. Last evaluated: 2025-08-03. Review status: criteria provided, single submitter. Criteria: Invitae Variant Classification Sherloc (09022015). Collection method: clinical testing. Allele origin: germline.
Comment: This sequence change replaces asparagine, which is neutral and polar, with aspartic acid, which is acidic and polar, at codon 285 of the SLC25A32 protein (p.Asn285Asp). This variant is not present in population databases (gnomAD no frequency). This variant has not been reported in the literature in individuals affected with SLC25A32-related conditions. Invitae Evidence Modeling of protein sequence and biophysical properties (such as structural, functional, and spatial information, amino acid conservation, physicochemical variation, residue mobility, and thermodynamic stability) indicates that this missense variant is expected to disrupt SLC25A32 protein function with a positive predictive value of 80%. In summary, the available evidence is currently insufficient to determine the role of this variant in disease. Therefore, it has been classified as a Variant of Uncertain Significance.